The following is an entry in ClinVar:

ClinVar aggregate classification (germline): Pathogenic. Review status: criteria provided, multiple submitters, no conflicts (2 of 4 stars). 8 submissions from 8 submitters: Pathogenic (7). 1 of the submissions does not count toward it. Last evaluated 2026-01-08.

Conditions:
Cholestanol storage disease (CTX). Also called: CEREBRAL CHOLESTERINOSIS; Cerebrotendinous Xanthomatosis; CTX: Cerebrotendinous xanthomatosis. Identifiers: Orphanet 909, MedGen C0238052, MONDO:0008948, OMIM 213700.
CYP27A1-related disorder. Also called: CYP27A1-related condition.

Allele frequency attached by ClinVar (database versions not stated): ExAC 0.00001; gnomAD exomes 0.00001; gnomAD 0.00003; TOPMed 0.00008; 1000 Genomes Project 0.00020; 1000 Genomes Project 30x 0.00031.
gnomAD v4.1: 8 of 1,614,242 alleles (0.0005%); highest among the groups gnomAD compares: African/African-American, 0.011%; no homozygotes.

Submissions (8):

Natera, Inc.
Classification: Pathogenic for Cerebrotendinous xanthomatosis. Last evaluated: 2026-01-08. Review status: criteria provided, single submitter. Criteria: Natera Variant Classification Schema (03/2026). Collection method: clinical testing. Allele origin: germline.
Comment: The c.886C>T variant in CYP27A1 is a nonsense variant predicted to introduce a stop codon at amino acid 296. This variant is expected to result in nonsense mediated decay, truncation, or a dysfunctional protein product. This variant is rare in the general population with a frequency below the threshold expected for the associated phenotype(s). This variant has been observed in one or more individuals affected with the associated recessive disease, as either homozygous or compound heterozygous with a second variant (PMID: 28937538). Given the available evidence, this variant is classified as Pathogenic.

Labcorp Genetics (formerly Invitae), Labcorp
Classification: Pathogenic for Cholestanol storage disease. Last evaluated: 2025-10-07. Review status: criteria provided, single submitter. Criteria: Invitae Variant Classification Sherloc (09022015). Collection method: clinical testing. Allele origin: germline.
Comment: This sequence change creates a premature translational stop signal (p.Gln296*) in the CYP27A1 gene. It is expected to result in an absent or disrupted protein product. Loss-of-function variants in CYP27A1 are known to be pathogenic (PMID: 9392430, 10775536, 26937392). This variant is present in population databases (rs575064188, gnomAD 0.02%). This premature translational stop signal has been observed in individual(s) with cerebrotendinous xanthomatosis (PMID: 28937538). ClinVar contains an entry for this variant (Variation ID: 502269). For these reasons, this variant has been classified as Pathogenic.

Fulgent Genetics
Classification: Pathogenic for Cholestanol storage disease. Last evaluated: 2024-06-03. Review status: criteria provided, single submitter. Criteria: ACMG Guidelines, 2015. Collection method: clinical testing. Allele origin: germline.

GeneDx
Classification: Pathogenic. Last evaluated: 2023-12-12. Review status: criteria provided, single submitter. Criteria: GeneDx Variant Classification Process June 2021. Collection method: clinical testing. Allele origin: germline. Affected: yes.
Comment: Nonsense variant predicted to result in protein truncation or nonsense mediated decay in a gene for which loss-of-function is a known mechanism of disease; This variant is associated with the following publications: (PMID: 28937538, 33414089)

Blueprint Genetics
Classification: Pathogenic for CYP27A1-related disorders. Last evaluated: 2022-02-04. Review status: criteria provided, single submitter. Criteria: ACMG Guidelines, 2015. Collection method: clinical testing. Allele origin: germline. Affected: yes. Observed: 4 variant alleles.

Eurofins Ntd Llc (ga)
Classification: Pathogenic. Last evaluated: 2018-09-06. Review status: criteria provided, single submitter. Criteria: EGL ClinVar v180209 classification definitions. Collection method: clinical testing. Allele origin: germline. Observed: 2 variant alleles, 2 heterozygotes.

Juno Genomics, Hangzhou Juno Genomics, Inc
Classification: Pathogenic for Cholestanol storage disease. Review status: criteria provided, single submitter. Criteria: ACMG Guidelines, 2015. Collection method: clinical testing. Allele origin: germline.
Comment: Absent from controls (or at extremely low frequency if recessive) in Genome Aggregation Database.;Null variant in a gene where loss of function (LOF) is a known mechanism of disease.;For recessive disorders, detected in trans with a pathogenic variant.

PreventionGenetics, part of Exact Sciences
Classification: Pathogenic for CYP27A1-related condition. Last evaluated: 2024-08-26. Review status: no assertion criteria provided. Collection method: clinical testing. Allele origin: germline. Not counted in ClinVar's aggregate classification.
Comment: The CYP27A1 c.886C>T variant is predicted to result in premature protein termination (p.Gln296*). This variant was reported in trans with a second pathogenic CYP27A1 variant in an individual with cerebrotendinous xanthomatosis (Gong et al 2017. PubMed ID: 28937538). This variant is reported in 0.016% of alleles in individuals of African descent in gnomAD. Nonsense variants in CYP27A1 are expected to be pathogenic. This variant is interpreted as pathogenic.

Literature cited by the submitters: PubMed 28937538 (cited by Natera, Inc. and Labcorp Genetics (formerly Invitae), Labcorp); PubMed 9392430 (cited by Labcorp Genetics (formerly Invitae), Labcorp); PubMed 10775536 (cited by Labcorp Genetics (formerly Invitae), Labcorp); PubMed 26937392 (cited by Labcorp Genetics (formerly Invitae), Labcorp).

NM_000784.4(CYP27A1):c.886C>T (p.Gln296Ter)

Gene: CYP27A1 (cytochrome P450 family 27 subfamily A member 1; plus strand). Cytogenetic location: 2q35.
Variant type: single nucleotide variant.
Coding change: c.886C>T on transcript NM_000784.4 (MANE Select); coding-DNA position 886, C replaced by T.
Protein change: p.Gln296Ter; replaces glutamine 296 with a stop codon.
Molecular consequence: nonsense.
Genome position (GRCh38, 1-based): chr2:218,812,965, C>T. VCF-style: chr2-218812965-C-T. GRCh37 (hg19) VCF-style: chr2-219677688-C-T.
Other names: short protein forms Q296*.
Identifiers: ClinVar variation 502269 (VCV000502269.26), dbSNP rs575064188, ClinGen allele CA2112755.